The following is an entry in ClinVar:

NM_002067.5(GNA11):c.436G>A (p.Asp146Asn)

Gene: GNA11 (G protein subunit alpha 11; plus strand). Cytogenetic location: 19p13.3.
Variant type: single nucleotide variant.
Coding change: c.436G>A on transcript NM_002067.5 (MANE Select); coding-DNA position 436, G replaced by A.
Protein change: p.Asp146Asn; replaces aspartic acid 146 with asparagine.
Molecular consequence: missense variant.
Genome position (GRCh38, 1-based): chr19:3,113,444, G>A. VCF-style: chr19-3113444-G-A. GRCh37 (hg19) VCF-style: chr19-3113442-G-A.
Other names: short protein forms D146N.
Identifiers: ClinVar variation 3052465 (VCV003052465.2), dbSNP rs778757346, ClinGen allele CA304322717.

ClinVar aggregate classification (germline): Uncertain significance (0 of 4 stars; one submission).

Conditions:
GNA11-related disorder. Also called: GNA11-related condition.

Allele frequency attached by ClinVar (database versions not stated): gnomAD 0.00001; TOPMed 0.00001.
gnomAD v4.1: 10 of 1,611,924 alleles (0.00062%); highest among the groups gnomAD compares: Admixed American, 0.0033%; no homozygotes.

Submission:

PreventionGenetics, part of Exact Sciences
Classification: Uncertain significance for GNA11-related condition. Last evaluated: 2023-10-18. Review status: no assertion criteria provided. Collection method: clinical testing. Allele origin: germline.
Comment: The GNA11 c.436G>A variant is predicted to result in the amino acid substitution p.Asp146Asn. To our knowledge, this variant has not been reported in the literature or in a large population database, indicating this variant is rare. At this time, the clinical significance of this variant is uncertain due to the absence of conclusive functional and genetic evidence.